The following is an entry in ClinVar:

ClinVar aggregate classification (germline): Likely pathogenic (1 of 4 stars; one submission).

Conditions:
Encephalopathy due to GLUT1 deficiency. Also called: GLUCOSE TRANSPORT DEFECT, BLOOD-BRAIN BARRIER; De Vivo disease; Glucose transporter protein syndrome; GLUT1 deficiency syndrome 1; GLUT1 deficiency syndrome 1, infantile onset, severe; Classic Glucose Transporter Type 1 Deficiency Syndrome. Identifiers: Orphanet 71277, MedGen C4551966, MONDO:0011724, OMIM 606777.

Submission:

Unidad de Genómica Garrahan, Hospital de Pediatría Garrahan
Classification: Likely pathogenic for Encephalopathy due to GLUT1 deficiency. Last evaluated: 2025-06-24. Review status: criteria provided, single submitter. Criteria: ACMG Guidelines, 2015. Collection method: clinical testing. Allele origin: unknown. Affected: yes. Observed: 1 variant allele.
Comment: PP4_Moderate, PVS1_Moderate, PM2_Moderate

NM_006516.4(SLC2A1):c.868-1G>T

Gene: SLC2A1 (solute carrier family 2 member 1; minus strand). Cytogenetic location: 1p34.2.
Variant type: single nucleotide variant.
Coding change: c.868-1G>T on transcript NM_006516.4 (MANE Select); the canonical splice acceptor site of the intron before coding-DNA position 868, G replaced by T.
Molecular consequence: splice acceptor variant.
Genome position (GRCh38, 1-based): chr1:42,929,315, C>A on the plus strand (G>T on the coding strand, the complement: SLC2A1 is on the minus strand). VCF-style: chr1-42929315-C-A. GRCh37 (hg19) VCF-style: chr1-43394986-C-A.
Identifiers: ClinVar variation 4057320 (VCV004057320.1).